The following is an entry in ClinVar:

NM_000071.3(CBS):c.1467+127_1467+157del

Gene: CBS (cystathionine beta-synthase; minus strand). Cytogenetic location: 21q22.3.
Variant type: Deletion.
Coding change: c.1467+127_1467+157del on transcript NM_000071.3 (MANE Select); bases 127 to 157 of the intron after coding-DNA position 1467, 31 bases deleted.
Molecular consequence: intron variant.
Genome position (GRCh38, 1-based): chr21:43,057,988-43,058,018, 31 bases deleted; deleting any 31 consecutive bases within chr21:43,057,988-43,058,047 gives the same sequence; the c. name uses the placement nearest the transcript's 3' end. GRCh37 (hg19): chr21:44,478,127-44,478,157.
Other names: c.1467+127_1467+157del (NM_001320298.2, NM_001178009.3, NM_001178008.3); c.1152+127_1152+157del (NM_001321072.1); c.1467+98_1467+128del31 (NM_000071.2).
Identifiers: ClinVar variation 674248 (VCV000674248.16), dbSNP rs1233162829, ClinGen allele CA749577653.

ClinVar aggregate classification (germline): Benign (1 of 4 stars; one submission).

Submission:

GeneDx
Classification: Benign. Last evaluated: 2018-06-18. Review status: criteria provided, single submitter. Criteria: GeneDx Variant Classification (06012015). Collection method: clinical testing. Allele origin: germline. Affected: yes.
Comment: This variant is considered likely benign or benign based on one or more of the following criteria: it is a conservative change, it occurs at a poorly conserved position in the protein, it is predicted to be benign by multiple in silico algorithms, and/or has population frequency not consistent with disease.